The following is an entry in ClinVar:

NM_000219.6(KCNE1):c.-50-288A>G

Gene: KCNE1 (potassium voltage-gated channel subfamily E regulatory subunit 1; minus strand). Cytogenetic location: 21q22.12.
Variant type: single nucleotide variant.
Coding change: c.-50-288A>G on transcript NM_000219.6 (MANE Select); 288 bases into the intron before 50 bases upstream of the start codon, A replaced by G.
Molecular consequence: intron variant.
Genome position (GRCh38, 1-based): chr21:34,449,972, T>C on the plus strand (A>G on the coding strand, the complement: KCNE1 is on the minus strand). VCF-style: chr21-34449972-T-C. GRCh37 (hg19) VCF-style: chr21-35822270-T-C.
Other names: c.-50-288A>G (NM_001270403.2, NM_001270404.3, NM_001270402.3 and 4 more transcripts).
Identifiers: ClinVar variation 675606 (VCV000675606.10), dbSNP rs2070358, ClinGen allele CA320425786.

ClinVar aggregate classification (germline): Benign. Review status: criteria provided, multiple submitters, no conflicts (2 of 4 stars). 2 submissions from 2 submitters: Benign (2). Last evaluated 2026-01-15.

Conditions:
Long QT syndrome (LQTS). Identifiers: MedGen C0023976, MeSH D008133, MONDO:0002442. Disease mechanism: loss of function. Inheritance: Various modes of inheritance.

Allele frequency attached by ClinVar (database versions not stated): gnomAD 0.01366 and 0.01412; 1000 Genomes Project 30x 0.12492; 1000 Genomes Project 0.55811.
gnomAD v4.1: 1,109 of 79,036 alleles (1.4%); highest among the groups gnomAD compares: East Asian, 2.6%; 31 homozygotes.

Submissions (2):

Labcorp Genetics (formerly Invitae), Labcorp
Classification: Benign for Long QT syndrome. Last evaluated: 2026-01-15. Review status: criteria provided, single submitter. Criteria: Invitae Variant Classification Sherloc (09022015). Collection method: clinical testing. Allele origin: germline.

GeneDx
Classification: Benign. Last evaluated: 2018-06-19. Review status: criteria provided, single submitter. Criteria: GeneDx Variant Classification (06012015). Collection method: clinical testing. Allele origin: germline. Affected: yes.
Comment: This variant is considered likely benign or benign based on one or more of the following criteria: it is a conservative change, it occurs at a poorly conserved position in the protein, it is predicted to be benign by multiple in silico algorithms, and/or has population frequency not consistent with disease.